The following is an entry in ClinVar:

ClinVar aggregate classification (germline): Uncertain significance (1 of 4 stars; one submission).

Conditions:
Inborn genetic diseases. Identifiers: MedGen C0950123, MeSH D030342.

Submission:

Ambry Genetics
Classification: Uncertain significance for Inborn genetic diseases. Last evaluated: 2023-06-13. Review status: criteria provided, single submitter. Criteria: Ambry Variant Classification Scheme 2023. Collection method: clinical testing. Allele origin: germline.
Comment: Occurs in the last base pair of the exon Based on insufficient or conflicting evidence, the clinical significance of this alteration remains unclear.

NM_001365999.1(SZT2):c.3433G>A (p.Asp1145Asn)

Gene: SZT2 (SZT2 subunit of KICSTOR complex; plus strand). Cytogenetic location: 1p34.2.
Variant type: single nucleotide variant.
Coding change: c.3433G>A on transcript NM_001365999.1 (MANE Select); coding-DNA position 3433, G replaced by A.
Protein change: p.Asp1145Asn; replaces aspartic acid 1145 with asparagine.
Molecular consequence: missense variant.
Genome position (GRCh38, 1-based): chr1:43,427,179, G>A. VCF-style: chr1-43427179-G-A. GRCh37 (hg19) VCF-style: chr1-43892850-G-A.
Other names: c.3262G>A, p.Asp1088Asn (NM_015284.4); short protein forms D1088N, D1145N.
Identifiers: ClinVar variation 2552285 (VCV002552285.2), dbSNP rs2545819055, ClinGen allele CA340017707.